The following is an entry in ClinVar:

ClinVar aggregate classification (germline): Uncertain significance (1 of 4 stars; one submission).

Conditions:
CFI-related disorder. Also called: CFI-related condition; CFI-related disorders. Identifiers: MedGen CN239325.

Submission:

Genomenon, Inc
Classification: Uncertain significance for CFI-related disorder. Last evaluated: 2026-09-17. Review status: criteria provided, single submitter. Criteria: Genomenon Sequence Variant Interpretation Standards - Updated. Collection method: curation. Allele origin: germline. Affected: no.
Comment: CFI p.Asp438Asn (c.1312G>A) is a missense variant that changes the amino acid at codon 438 from Aspartic acid to Asparagine. This variant has been reported in the published literature (PMID:22393059). This variant is located in a mutational hotspot and/or important functional domain. It is absent or not present at a significant frequency in gnomAD. In silico models predict that this variant is not damaging. In conclusion, we classify CFI p.Asp438Asn (c.1312G>A) as a variant of uncertain significance.

Literature cited by the submitters: PubMed 22393059.

NM_000204.5(CFI):c.1312G>A (p.Asp438Asn)

Gene: CFI (complement factor I; minus strand). Cytogenetic location: 4q25.
Variant type: single nucleotide variant.
Coding change: c.1312G>A on transcript NM_000204.5 (MANE Select); coding-DNA position 1312, G replaced by A.
Protein change: p.Asp438Asn; replaces aspartic acid 438 with asparagine.
Molecular consequence: missense variant. On other transcripts: non-coding transcript variant (2).
Genome position (GRCh38, 1-based): chr4:109,746,339, C>T on the plus strand (G>A on the coding strand, the complement: CFI is on the minus strand). VCF-style: chr4-109746339-C-T. GRCh37 (hg19) VCF-style: chr4-110667495-C-T.
Other names: c.1336G>A, p.Asp446Asn (NM_001318057.2, NM_001375278.1, NM_001440988.1); c.1291G>A, p.Asp431Asn (NM_001331035.2, NM_001375280.1, NM_001375282.1 and 1 more transcripts); c.1312G>A, p.Asp438Asn (NM_001375279.1, NM_001375281.1, NM_001440989.1); c.1255G>A, p.Asp419Asn (NM_001375283.1); c.703G>A, p.Asp235Asn (NM_001375284.1); c.1333G>A, p.Asp445Asn (NM_001440985.1, NM_001440986.1); short protein forms D235N, D419N, D431N, D438N, D445N, D446N.
Identifiers: ClinVar variation 4976864 (VCV004976864.1).